The following is an entry in ClinVar:

ClinVar aggregate classification (germline): Uncertain significance. Review status: criteria provided, multiple submitters, no conflicts (2 of 4 stars). 2 submissions from 2 submitters: Uncertain significance (2). Last evaluated 2025-03-05.

Conditions:
HSD3B7-related disorder. Also called: HSD3B7-related condition.
Inborn genetic diseases. Identifiers: MedGen C0950123, MeSH D030342.

Allele frequency attached by ClinVar (database versions not stated): ExAC 0.00003; gnomAD 0.00003; TOPMed 0.00004; gnomAD exomes 0.00008.
gnomAD v4.1: 112 of 1,604,624 alleles (0.007%); highest among the groups gnomAD compares: Non-Finnish European, 0.0085%; no homozygotes.

Submissions (2):

Ambry Genetics
Classification: Uncertain significance for Inborn genetic diseases. Last evaluated: 2025-03-05. Review status: criteria provided, single submitter. Criteria: Ambry Variant Classification Scheme 2023. Collection method: clinical testing. Allele origin: germline.

PreventionGenetics, part of Exact Sciences
Classification: Uncertain significance for HSD3B7-related condition. Last evaluated: 2024-10-31. Review status: criteria provided, single submitter. Criteria: ACMG Guidelines, 2015. Collection method: clinical testing. Allele origin: germline.
Comment: The HSD3B7 c.104G>A variant is predicted to result in the amino acid substitution p.Arg35Gln. To our knowledge, this variant has not been reported in the literature. This variant is reported in 0.0060% of alleles in individuals of European (Non-Finnish) descent in gnomAD. At this time, the clinical significance of this variant is uncertain due to the absence of conclusive functional and genetic evidence.

NM_025193.4(HSD3B7):c.104G>A (p.Arg35Gln)

Gene: HSD3B7 (hydroxy-delta-5-steroid dehydrogenase, 3 beta- and steroid delta-isomerase 7; plus strand). Cytogenetic location: 16p11.2.
Variant type: single nucleotide variant.
Coding change: c.104G>A on transcript NM_025193.4 (MANE Select); coding-DNA position 104, G replaced by A.
Protein change: p.Arg35Gln; replaces arginine 35 with glutamine.
Molecular consequence: missense variant.
Genome position (GRCh38, 1-based): chr16:30,985,762, G>A. VCF-style: chr16-30985762-G-A. GRCh37 (hg19) VCF-style: chr16-30997083-G-A.
Other names: c.104G>A, p.Arg35Gln (NM_001142777.2, NM_001142778.2); short protein forms R35Q.
Identifiers: ClinVar variation 2213410 (VCV002213410.4), dbSNP rs766847555, ClinGen allele CA8017853.